The following is an entry in ClinVar:

ClinVar aggregate classification (germline): Uncertain significance (1 of 4 stars; one submission).

Allele frequency attached by ClinVar (database versions not stated): gnomAD exomes below 0.00001; ExAC 0.00001; gnomAD 0.00001; TOPMed 0.00001.
gnomAD v4.1: 3 of 1,613,984 alleles (0.00019%); highest among the groups gnomAD compares: Non-Finnish European, 0.00025%; no homozygotes.

Submission:

GeneDx
Classification: Uncertain significance. Last evaluated: 2017-02-24. Review status: criteria provided, single submitter. Criteria: GeneDx Variant Classification (06012015). Collection method: clinical testing. Allele origin: germline. Affected: yes.
Comment: The S1527Y variant in the ANK3 gene has not been reported previously as a pathogenic variant, nor as a benign variant, to our knowledge. The S1527Y variant is not observed at a significant frequency in large population cohorts (Lek et al., 2016; 1000 Genomes Consortium et al., 2015; Exome Variant Server). The S1527Y variant is a semi-conservative amino acid substitution, which may impact secondary protein structure as these residues differ in some properties. This substitution occurs at a position that is conserved across species. In silico analysis is inconsistent in its predictions as to whether or not the variant is damaging to the protein structure/function. We interpret S1527Y as a variant of uncertain significance.

NM_020987.5(ANK3):c.4580C>A (p.Ser1527Tyr)

Gene: ANK3 (ankyrin 3; minus strand). Cytogenetic location: 10q21.2.
Variant type: single nucleotide variant.
Coding change: c.4580C>A on transcript NM_020987.5 (MANE Select); coding-DNA position 4580, C replaced by A.
Protein change: p.Ser1527Tyr; replaces serine 1527 with tyrosine.
Molecular consequence: missense variant. On other transcripts: intron variant (4).
Genome position (GRCh38, 1-based): chr10:60,076,301, G>T on the plus strand (C>A on the coding strand, the complement: ANK3 is on the minus strand). VCF-style: chr10-60076301-G-T. GRCh37 (hg19) VCF-style: chr10-61836059-G-T.
Other names: c.4387+4236C>A (NM_001204403.2); c.4408+4236C>A (NM_001204404.2); c.4405+4236C>A (NM_001320874.2); c.1807+4236C>A (NM_001149.4); short protein forms S1527Y.
Identifiers: ClinVar variation 423621 (VCV000423621.2), dbSNP rs765903434, ClinGen allele CA5512153.